The following is an entry in ClinVar:

NM_001242896.3(DEPDC5):c.2098G>T (p.Gly700Cys)

Gene: DEPDC5 (DEP domain containing 5, GATOR1 subcomplex subunit; plus strand). Cytogenetic location: 22q12.3.
Variant type: single nucleotide variant.
Coding change: c.2098G>T on transcript NM_001242896.3 (MANE Select); coding-DNA position 2098, G replaced by T.
Protein change: p.Gly700Cys; replaces glycine 700 with cysteine.
Molecular consequence: missense variant. On other transcripts: non-coding transcript variant (4), intron variant (3).
Genome position (GRCh38, 1-based): chr22:31,822,784, G>T. VCF-style: chr22-31822784-G-T. GRCh37 (hg19) VCF-style: chr22-32218770-G-T.
Other names: c.2098G>T, p.Gly700Cys (NM_001136029.4, NM_001363852.2, NM_001364318.2 and 3 more transcripts); c.2014G>T, p.Gly672Cys (NM_001369901.1, NM_001369902.1); c.1870+3559G>T (NM_001363854.2, NM_001242897.2, NM_001364319.2); short protein forms G700C, G672C.
Identifiers: ClinVar variation 860472 (VCV000860472.9), dbSNP rs767158228, ClinGen allele CA10196563.

ClinVar aggregate classification (germline): Uncertain significance (1 of 4 stars; one submission).

Conditions:
Familial focal epilepsy with variable foci (FPEVF). Identifiers: Orphanet 98820, MedGen C1858477, MONDO:0020310.

Allele frequency attached by ClinVar (database versions not stated): ExAC 0.00002; gnomAD exomes 0.00001; TOPMed 0.00001.
gnomAD v4.1: 3 of 1,613,828 alleles (0.00019%); highest among the groups gnomAD compares: Admixed American, 0.005%; no homozygotes.

Submission:

Labcorp Genetics (formerly Invitae), Labcorp
Classification: Uncertain significance for Familial focal epilepsy with variable foci. Last evaluated: 2025-01-27. Review status: criteria provided, single submitter. Criteria: Invitae Variant Classification Sherloc (09022015). Collection method: clinical testing. Allele origin: germline.
Comment: This sequence change replaces glycine, which is neutral and non-polar, with cysteine, which is neutral and slightly polar, at codon 700 of the DEPDC5 protein (p.Gly700Cys). This variant is present in population databases (rs767158228, gnomAD 0.009%). This variant has not been reported in the literature in individuals affected with DEPDC5-related conditions. ClinVar contains an entry for this variant (Variation ID: 860472). An algorithm developed to predict the effect of missense changes on protein structure and function outputs the following: PolyPhen-2: "Not Available". The cysteine amino acid residue is found in multiple mammalian species, which suggests that this missense change does not adversely affect protein function. In summary, the available evidence is currently insufficient to determine the role of this variant in disease. Therefore, it has been classified as a Variant of Uncertain Significance.